The following is an entry in ClinVar:

NM_001292034.3(TAB2):c.80_84delinsAGG (p.Val27fs)

Gene: TAB2 (TGF-beta activated kinase 1 (MAP3K7) binding protein 2; plus strand). Cytogenetic location: 6q25.1.
Variant type: Indel.
Coding change: c.80_84delinsAGG on transcript NM_001292034.3 (MANE Select); coding-DNA positions 80 to 84, TTGTA replaced by AGG.
Protein change: p.Val27fs; shifts the reading frame from valine 27.
Molecular consequence: frameshift variant. On other transcripts: intron variant (1).
Genome position (GRCh38, 1-based): chr6:149,370,077-149,370,081, TTGTA replaced by AGG. VCF-style: chr6-149370077-TTGTA-AGG. GRCh37 (hg19) VCF-style: chr6-149691213-TTGTA-AGG.
Other names: c.80_84delinsAGG, p.Val27fs (NM_001369506.1, NM_015093.6); c.7-7941_7-7937delinsAGG (NM_001292035.3); short protein forms V27fs.
Identifiers: ClinVar variation 2631202 (VCV002631202.1), dbSNP rs2483348418, ClinGen allele CA2695198377.

ClinVar aggregate classification (germline): Likely pathogenic (1 of 4 stars; one submission).

Conditions:
TAB2-related disorder.

Submission:

PreventionGenetics, part of Exact Sciences
Classification: Likely pathogenic for TAB2-related condition. Last evaluated: 2023-08-02. Review status: criteria provided, single submitter. Criteria: ACMG Guidelines, 2015. Collection method: clinical testing. Allele origin: germline.
Comment: The TAB2 c.80_84delinsAGG variant is predicted to result in a frameshift and premature protein termination (p.Val27Glufs*9). To our knowledge, this variant has not been reported in the literature or in a large population database, indicating this variant is rare. Frameshift variants in TAB2 are expected to be pathogenic. This variant is interpreted as likely pathogenic.